The following is an entry in ClinVar:

NM_001291303.3(FAT4):c.7876A>C (p.Ser2626Arg)

Gene: FAT4 (FAT atypical cadherin 4; plus strand). Cytogenetic location: 4q28.1.
Variant type: single nucleotide variant.
Coding change: c.7876A>C on transcript NM_001291303.3 (MANE Select); coding-DNA position 7876, A replaced by C.
Protein change: p.Ser2626Arg; replaces serine 2626 with arginine.
Molecular consequence: missense variant.
Genome position (GRCh38, 1-based): chr4:125,448,886, A>C. VCF-style: chr4-125448886-A-C. GRCh37 (hg19) VCF-style: chr4-126370041-A-C.
Other names: c.7876A>C, p.Ser2626Arg (NM_001291285.3); c.7870A>C, p.Ser2624Arg (NM_024582.6); c.7876A>C (NM_001291303.1); c.7870A>C (NM_024582.4); short protein forms S2626R, S2624R.
Identifiers: ClinVar variation 1395528 (VCV001395528.4), dbSNP rs191460472, ClinGen allele CA3073273.
Genomic context (GRCh38, chr4:125,448,886, plus strand): 5'-GCAAGTGGGAATCTTGGCAATACTTTCCAGATTGATCAGTTAACAGGGCAGGTGTCTATT[A>C]GTCAACCTCTGGATTTTGAAAAGATACAAAAATATGTTGTATGGATAGAGGCCAGAGACG-3'
Protein context (NP_001278232.1, residues 2616-2636): IDQLTGQVSI[Ser2626Arg]QPLDFEKIQK

ClinVar aggregate classification (germline): Uncertain significance. Review status: criteria provided, multiple submitters, no conflicts (2 of 4 stars). 3 submissions from 3 submitters: Uncertain significance (3). Last evaluated 2025-06-06.

Conditions:
Inborn genetic diseases. Identifiers: MedGen C0950123, MeSH D030342.
FAT4-related disorder. Also called: FAT4-related condition.

Allele frequency attached by ClinVar (database versions not stated): gnomAD exomes below 0.00001 and 0.00001; gnomAD 0.00002 and 0.00001; TOPMed 0.00002; 1000 Genomes Project 0.00020; ExAC 0.00002; 1000 Genomes Project 30x 0.00016.
gnomAD v4.1: 12 of 1,609,968 alleles (0.00075%); highest among the groups gnomAD compares: African/African-American, 0.012%; no homozygotes.

Submissions (3):

Ambry Genetics
Classification: Uncertain significance for Inborn genetic diseases. Last evaluated: 2025-06-06. Review status: criteria provided, single submitter. Criteria: Ambry Variant Classification Scheme 2023. Collection method: clinical testing. Allele origin: germline.

PreventionGenetics, part of Exact Sciences
Classification: Uncertain significance for FAT4-related condition. Last evaluated: 2023-03-10. Review status: criteria provided, single submitter. Criteria: ACMG Guidelines, 2015. Collection method: clinical testing. Allele origin: germline.
Comment: The FAT4 c.7876A>C variant is predicted to result in the amino acid substitution p.Ser2626Arg. To our knowledge, this variant has not been reported in the literature. This variant is reported in 0.019% of alleles in individuals of African descent in gnomAD. At this time, the clinical significance of this variant is uncertain due to the absence of conclusive functional and genetic evidence.

Labcorp Genetics (formerly Invitae), Labcorp
Classification: Uncertain significance. Last evaluated: 2022-06-29. Review status: criteria provided, single submitter. Criteria: Invitae Variant Classification Sherloc (09022015). Collection method: clinical testing. Allele origin: germline.
Comment: This sequence change replaces serine, which is neutral and polar, with arginine, which is basic and polar, at codon 2624 of the FAT4 protein (p.Ser2624Arg). This variant is present in population databases (rs191460472, gnomAD 0.01%). This variant has not been reported in the literature in individuals affected with FAT4-related conditions. Advanced modeling of protein sequence and biophysical properties (such as structural, functional, and spatial information, amino acid conservation, physicochemical variation, residue mobility, and thermodynamic stability) performed at Invitae indicates that this missense variant is not expected to disrupt FAT4 protein function. In summary, the available evidence is currently insufficient to determine the role of this variant in disease. Therefore, it has been classified as a Variant of Uncertain Significance.